The following is an entry in ClinVar:

NM_000179.3(MSH6):c.952G>C (p.Glu318Gln)

Gene: MSH6 (mutS homolog 6; plus strand). Cytogenetic location: 2p16.3.
Variant type: single nucleotide variant.
Coding change: c.952G>C on transcript NM_000179.3 (MANE Select); coding-DNA position 952, G replaced by C.
Protein change: p.Glu318Gln; replaces glutamic acid 318 with glutamine.
Molecular consequence: missense variant.
Genome position (GRCh38, 1-based): chr2:47,798,935, G>C. VCF-style: chr2-47798935-G-C. GRCh37 (hg19) VCF-style: chr2-48026074-G-C.
Other names: c.562G>C, p.Glu188Gln (NM_001281492.2); c.46G>C, p.Glu16Gln (NM_001281493.2, NM_001281494.2); short protein forms E16Q, E188Q, E318Q.
Identifiers: ClinVar variation 659881 (VCV000659881.9), dbSNP rs1114167763, ClinGen allele CA346740845.

ClinVar aggregate classification (germline): Uncertain significance (1 of 4 stars; one submission).

Conditions:
Hereditary nonpolyposis colorectal neoplasms. Identifiers: MedGen C0009405, MeSH D003123.

gnomAD v4.1: 2 of 1,614,154 alleles (0.00012%); highest among the groups gnomAD compares: South Asian, 0.0022%; no homozygotes.

Submission:

Labcorp Genetics (formerly Invitae), Labcorp
Classification: Uncertain significance for Hereditary nonpolyposis colorectal neoplasms. Last evaluated: 2018-10-31. Review status: criteria provided, single submitter. Criteria: Invitae Variant Classification Sherloc (09022015). Collection method: clinical testing. Allele origin: germline.
Comment: This variant is not present in population databases (ExAC no frequency). This variant has not been reported in the literature in individuals with MSH6-related disease. Algorithms developed to predict the effect of missense changes on protein structure and function are either unavailable or do not agree on the potential impact of this missense change (SIFT: "Tolerated"; PolyPhen-2: "Possibly Damaging"; Align-GVGD: "Class C0"). In summary, the available evidence is currently insufficient to determine the role of this variant in disease. Therefore, it has been classified as a Variant of Uncertain Significance. This sequence change replaces glutamic acid with glutamine at codon 318 of the MSH6 protein (p.Glu318Gln). The glutamic acid residue is weakly conserved and there is a small physicochemical difference between glutamic acid and glutamine.